The following continues an entry in ClinVar:

NM_004004.6(GJB2):c.229T>C (p.Trp77Arg)

Gene: GJB2. ClinVar aggregate classification (germline): Pathogenic/Likely pathogenic. Pathogenic (20); Likely pathogenic (1).

Submissions 13 to 25 of 25:

INGEBI, INGEBI / CONICET
Classification: Pathogenic for Nonsyndromic hearing loss and deafness. Last evaluated: 2020-08-21. Review status: criteria provided, single submitter. Criteria: ClinGen HL ACMG Specifications v1. Collection method: clinical testing. Allele origin: germline. Inheritance: Autosomal recessive inheritance. Affected: yes. Observed: 1 variant allele.
Comment: Based on ACMG/AMP guidelines and Hearing Loss Expert Panel specific criteria: The c.229T>C, p.Trp77Arg variant has a filtering allele frequency of 0,00949% (7/34590 of Latino alleles with 95% CI) from Genome Aggregation Database v2.1.1 (calculated by using inverse allele frequency at an online resource), which meets the PM2_supporting criteria. This variant has been identified in trans with different pathogenic variants in at least four patients: (PMID: 9328482, 11935342, 15964725, 16088916, 16380907, 22785241, PMID:16467727, 16545002, 19371219) applying to PM3_VeryStrong. Computational evidence showed a damage impact of the mutation to the protein (REVEL: 0.934) meeting PP3 rule. Functional studies in HeLa cells and Xenopus laevis oocytes demonstrated a deleterious effect of the mutant without dominant effect to Human CX26 by dye transfer and junctional conductance measurements assays. In both cases the levels of dye transfer and conductance did not exceed background levels (PMID: 10556284, PMID: 12064630, PMID: 12505163) applying to PS3_Moderate rule. Therefore, the c.229T>C variant meets criteria to be classified as pathogenic for autosomal recessive non-syndromic hearing loss (PM2_Supporting, PM3_VeryStrong, PP3 and PS3_Moderate).

King Laboratory, University of Washington
Classification: Pathogenic for Autosomal recessive nonsyndromic hearing loss 1A. Last evaluated: 2020-08-01. Review status: criteria provided, single submitter. Criteria: Abu Rayyan A et al. (Proc Natl Acad Sci U S A 2020). Collection method: research. Allele origin: germline. Affected: yes.
Comment: GJB2 c.229T>C, p.W77R alters a residue that is completely conserved in all sequenced vertebrates. The variant was previously reported to be deficient in formation of junctional channels (PMID: 18941476). It is not present in 1300 Palestinian controls and is present in 10/251404 alleles on gnomAD, all heterozygotes.

Myriad Genetics, Inc.
Classification: Pathogenic for Autosomal recessive nonsyndromic hearing loss 1A. Last evaluated: 2019-12-09. Review status: criteria provided, single submitter. Criteria: Myriad Women's Health Autosomal Recessive and X-Linked Classification Criteria (2019). Collection method: clinical testing. Allele origin: unknown.
Comment: NM_004004.5(GJB2):c.229T>C(W77R) is classified as pathogenic in the context of GJB2-related DFNB1 nonsyndromic hearing loss and deafness. Sources cited for classification include the following: PMID 15967879, 22785241, 16380907, 10556284 and 12505163. Classification of NM_004004.5(GJB2):c.229T>C(W77R) is based on the following criteria: This is a well-established pathogenic variant in the literature that has been observed more frequently in patients with clinical diagnoses than in healthy populations. Please note: this variant was assessed in the context of healthy population screening.

Women's Health and Genetics/Laboratory Corporation of America, LabCorp
Classification: Pathogenic for Deafness, autosomal recessive 1A. Last evaluated: 2018-11-21. Review status: criteria provided, single submitter. Criteria: LabCorp Variant Classification Summary - May 2015. Collection method: clinical testing. Allele origin: germline.
Comment: Variant summary: GJB2 c.229T>C (p.Trp77Arg) results in a non-conservative amino acid change located in the connexin, N-terminal domain (IPR013092) of the encoded protein sequence. Five of five in-silico tools predict a damaging effect of the variant on protein function. The variant allele was found at a frequency of 4.1e-05 in 246400 control chromosomes (gnomAD). This frequency is not higher than expected for a pathogenic variant in GJB2 causing Autosomal Recessive Non-Syndromic Hearing Loss (4.1e-05 vs 0.025), allowing no conclusion about variant significance. c.229T>C has been reported in the literature in multiple homozygous and compound heterozygous individuals affected with Autosomal Recessive Non-Syndromic Hearing Loss (Alvarez 2005, Carrasquillo 1997, Snoeckx 2005), and the variant was also found to segregate with the disease in one of these reported families (Carrasquillo 1997). These data indicate that the variant is very likely to be associated with disease. Functional studies have shown to have >99% reduction in junctional conductance in comparison to wild-type (Bruzzone_2003). Three clinical diagnostic laboratories have submitted clinical-significance assessments for this variant to ClinVar after 2014 without evidence for independent evaluation. All laboratories classified the variant as pathogenic. Based on the evidence outlined above, the variant was classified as pathogenic.

Victorian Clinical Genetics Services, Murdoch Childrens Research Institute
Classification: Pathogenic for Autosomal recessive nonsyndromic hearing loss 1A. Last evaluated: 2017-08-30. Review status: criteria provided, single submitter. Criteria: ACMG Guidelines, 2015. Collection method: clinical testing. Allele origin: unknown. Affected: yes.
Comment: A homozygous missense variant was identified, NM_004004.5(GJB2):c.229T>C in exon 2 of the GJB2 gene. This substitution is predicted to create a major change from a tryptophan to an arginine at position 77, NP_003995.2(GJB2):p.(Trp77Arg). The tryptophan at this position has very high conservation (100 vertebrates, UCSC). In silico software predicts this variant to be disease causing. It is situated in the second transmembrane domain and functional studies have shown that it causes loss of channel activity. (Martin, PE. et al. (1999), Bruzzone, R. et al. (2002)). This variant is present in the gnomAD population database at a frequency of 0.0041% (10 in 246208, 0 homozygotes). It is one of the more frequent GJB2 variants and has been previously reported in patients with autosomal recessive deafness (Cryns, K. et al. (2004), Snoeckx, RL. et al. (2005), ClinVar). Based on current information, this variant has been classified as PATHOGENIC.

Eurofins Ntd Llc (ga)
Classification: Pathogenic. Last evaluated: 2016-03-21. Review status: criteria provided, single submitter. Criteria: EGL Classification Definitions. Collection method: clinical testing. Allele origin: germline. Observed: 2 variant alleles, 2 heterozygotes.

Baylor Genetics
Classification: Pathogenic for Autosomal recessive nonsyndromic hearing loss 1A; Autosomal recessive nonsyndromic hearing loss 1B. Review status: criteria provided, single submitter. Criteria: ACMG Guidelines, 2015. Collection method: clinical testing. Allele origin: germline.

Clinical Genetics Service, Universitary Hospital 12 de Octubre
Classification: Pathogenic for Autosomal recessive nonsyndromic hearing loss 1A. Review status: criteria provided, single submitter. Criteria: ACMG Guidelines, 2015. Collection method: clinical testing. Allele origin: maternal. Affected: yes.

Equipe Genetique des Anomalies du Developpement, Université de Bourgogne
Classification: Pathogenic for Hearing impairment. Review status: criteria provided, single submitter. Criteria: ACMG Guidelines, 2015. Collection method: clinical testing. Allele origin: paternal. Affected: yes.

Counsyl
Classification: Pathogenic for Autosomal dominant nonsyndromic hearing loss 3A. Last evaluated: 2016-03-08. Review status: no assertion criteria provided. Collection method: clinical testing. Allele origin: unknown. Not counted in ClinVar's aggregate classification.

OMIM
Classification: Pathogenic for DEAFNESS, AUTOSOMAL RECESSIVE 1A. Last evaluated: 1997-11-01. Review status: no assertion criteria provided. Collection method: literature only. Allele origin: germline. Not counted in ClinVar's aggregate classification.

Clinical Genetics DNA and cytogenetics Diagnostics Lab, Erasmus MC, Erasmus Medical Center
Classification: Pathogenic. Review status: no assertion criteria provided. Collection method: clinical testing. Allele origin: germline. Affected: yes. Study: VKGL Data-share Consensus. Not counted in ClinVar's aggregate classification.

Joint Genome Diagnostic Labs from Nijmegen and Maastricht, Radboudumc and MUMC+
Classification: Pathogenic. Review status: no assertion criteria provided. Collection method: clinical testing. Allele origin: germline. Affected: yes. Study: VKGL Data-share Consensus. Not counted in ClinVar's aggregate classification.

Literature cited by the submitters: PubMed 9328482 (cited by 5 submitters); PubMed 11977173 (cited by Otogenetics); PubMed 12505163 (cited by 5 submitters); PubMed 14985372 (cited by Otogenetics); PubMed 15967879 (cited by 3 submitters); PubMed 16088916 (cited by 3 submitters); PubMed 16380907 (cited by 5 submitters); PubMed 21726435 (cited by Otogenetics); PubMed 22785241 (cited by 4 submitters); PubMed 37892203 (cited by Otogenetics); PubMed 11935342 (cited by 3 submitters); PubMed 16545002 (cited by 3 submitters); PubMed 33105617 (cited by Natera, Inc.); PubMed 16467727 (cited by Labcorp Genetics (formerly Invitae), Labcorp and INGEBI, INGEBI / CONICET); PubMed 19371219 (cited by Labcorp Genetics (formerly Invitae), Labcorp and INGEBI, INGEBI / CONICET); PubMed 10556284 (cited by 3 submitters); PubMed 12064630 (cited by Labcorp Genetics (formerly Invitae), Labcorp and INGEBI, INGEBI / CONICET); PubMed 15964725 (cited by Laboratory for Molecular Medicine, Mass General Brigham Personalized Medicine and INGEBI, INGEBI / CONICET); PubMed 11102979 (cited by Laboratory for Molecular Medicine, Mass General Brigham Personalized Medicine); PubMed 10982180 (cited by Laboratory for Molecular Medicine, Mass General Brigham Personalized Medicine).